The following is an entry in ClinVar:

ClinVar aggregate classification (germline): Pathogenic/Likely pathogenic. Review status: criteria provided, multiple submitters, no conflicts (2 of 4 stars). 2 submissions from 2 submitters: Pathogenic (1); Likely pathogenic (1). Last evaluated 2025-03-17.

Conditions:
RHO-related disorder. Also called: RHO-related condition.

Submissions (2):

Labcorp Genetics (formerly Invitae), Labcorp
Classification: Pathogenic. Last evaluated: 2025-03-17. Review status: criteria provided, single submitter. Criteria: Invitae Variant Classification Sherloc (09022015). Collection method: clinical testing. Allele origin: germline.
Comment: This sequence change creates a premature translational stop signal (p.Thr58*) in the RHO gene. It is expected to result in an absent or disrupted protein product. Loss-of-function variants in RHO are known to be pathogenic (PMID: 1303237, 21174529). Information on the frequency of this variant in the gnomAD database is not available, as this variant may be reported differently in the database. This variant has not been reported in the literature in individuals affected with RHO-related conditions. ClinVar contains an entry for this variant (Variation ID: 866835). For these reasons, this variant has been classified as Pathogenic.

Blueprint Genetics
Classification: Likely pathogenic for RHO-related disorders. Last evaluated: 2018-10-19. Review status: criteria provided, single submitter. Criteria: ACMG Guidelines, 2015. Collection method: clinical testing. Allele origin: germline. Affected: yes. Observed: 1 variant allele.

Literature cited by the submitters: PubMed 1303237 (cited by Labcorp Genetics (formerly Invitae), Labcorp); PubMed 21174529 (cited by Labcorp Genetics (formerly Invitae), Labcorp).

NM_000539.3(RHO):c.172_173delinsTA (p.Thr58Ter)

Gene: RHO (rhodopsin; plus strand). Cytogenetic location: 3q22.1.
Variant type: Indel.
Coding change: c.172_173delinsTA on transcript NM_000539.3 (MANE Select); coding-DNA positions 172 to 173, AC replaced by TA.
Protein change: p.Thr58Ter; replaces threonine 58 with a stop codon.
Molecular consequence: nonsense.
Genome position (GRCh38, 1-based): chr3:129,528,905-129,528,906, AC replaced by TA. VCF-style: chr3-129528905-AC-TA. GRCh37 (hg19) VCF-style: chr3-129247748-AC-TA.
Other names: short protein forms T58*.
Identifiers: ClinVar variation 866835 (VCV000866835.5), dbSNP rs2084757329, ClinGen allele CA916082603.
Genomic context (GRCh38, chr3:129,528,905, plus strand): 5'-TCCATGCTGGCCGCCTACATGTTTCTGCTGATCGTGCTGGGCTTCCCCATCAACTTCCTC[AC>TA]GCTCTACGTCACCGTCCAGCACAAGAAGCTGCGCACGCCTCTCAACTACATCCTGCTCAA-3'